The following is an entry in ClinVar:

NM_002206.3(ITGA7):c.1356C>G (p.Asn452Lys)

Gene: ITGA7 (integrin subunit alpha 7; minus strand). Cytogenetic location: 12q13.2.
Variant type: single nucleotide variant.
Coding change: c.1356C>G on transcript NM_002206.3 (MANE Select); coding-DNA position 1356, C replaced by G.
Protein change: p.Asn452Lys; replaces asparagine 452 with lysine.
Molecular consequence: missense variant.
Genome position (GRCh38, 1-based): chr12:55,697,748, G>C on the plus strand (C>G on the coding strand, the complement: ITGA7 is on the minus strand). VCF-style: chr12-55697748-G-C. GRCh37 (hg19) VCF-style: chr12-56091532-G-C.
Other names: c.1368C>G, p.Asn456Lys (NM_001144996.2, NM_001414029.1); c.1077C>G, p.Asn359Lys (NM_001144997.2); c.1029C>G, p.Asn343Lys (NM_001367993.1); c.12C>G, p.Asn4Lys (NM_001367994.1); c.1356C>G, p.Asn452Lys (NM_001374465.1, NM_001414034.1); c.1488C>G, p.Asn496Lys (NM_001410977.1); c.1281C>G, p.Asn427Lys (NM_001414030.1); c.1269C>G, p.Asn423Lys (NM_001414031.1); and 3 more; short protein forms N343K, N359K, N452K, N456K, N496K, N4K, N423K, N412K.
Identifiers: ClinVar variation 1719009 (VCV001719009.5), dbSNP rs2539790555, ClinGen allele CA385189613.
Genomic context (GRCh38, chr12:55,697,748, plus strand): 5'-GGCTCACCTGAAGAGCACTGCGGTGTCAGCCAGGGAGCCCACCAGCAGGTCAGGGTATTG[G>C]TTCCCATCCATATCCAAGCTGCCTGACAGGGAGTAGCCGAAGCTCTTGATGCCCACAGCC-3'
Protein context (NP_002197.2, residues 442-462): SLSGSLDMDG[Asn452Lys]QYPDLLVGSL

ClinVar aggregate classification (germline): Uncertain significance (1 of 4 stars; one submission).

Conditions:
Congenital muscular dystrophy due to integrin alpha-7 deficiency. Also called: MYOPATHY, CONGENITAL, DUE TO INTEGRIN ALPHA-7 DEFICIENCY; Congenital muscular dystrophy with integrin alpha-7 deficiency; Muscular dystrophy, congenital, due to ITGA7 deficiency. Identifiers: Orphanet 34520, MedGen C2750786, MONDO:0013177, OMIM 613204.

Submission:

Labcorp Genetics (formerly Invitae), Labcorp
Classification: Uncertain significance for Congenital muscular dystrophy due to integrin alpha-7 deficiency. Last evaluated: 2022-07-19. Review status: criteria provided, single submitter. Criteria: Invitae Variant Classification Sherloc (09022015). Collection method: clinical testing. Allele origin: germline.
Comment: In summary, the available evidence is currently insufficient to determine the role of this variant in disease. Therefore, it has been classified as a Variant of Uncertain Significance. Algorithms developed to predict the effect of missense changes on protein structure and function are either unavailable or do not agree on the potential impact of this missense change (SIFT: "Deleterious"; PolyPhen-2: "Possibly Damaging"; Align-GVGD: "Class C0"). This variant has not been reported in the literature in individuals affected with ITGA7-related conditions. This variant is not present in population databases (gnomAD no frequency). This sequence change replaces asparagine, which is neutral and polar, with lysine, which is basic and polar, at codon 452 of the ITGA7 protein (p.Asn452Lys).